The following is an entry in ClinVar:

ClinVar aggregate classification (germline): Uncertain significance. Review status: criteria provided, multiple submitters, no conflicts (2 of 4 stars). 2 submissions from 2 submitters: Uncertain significance (2). Last evaluated 2024-12-31.

Conditions:
Inborn genetic diseases. Identifiers: MedGen C0950123, MeSH D030342.

Allele frequency attached by ClinVar (database versions not stated): TOPMed below 0.00001.

Submissions (2):

Ambry Genetics
Classification: Uncertain significance for Inborn genetic diseases. Last evaluated: 2024-12-31. Review status: criteria provided, single submitter. Criteria: Ambry Variant Classification Scheme 2023. Collection method: clinical testing. Allele origin: germline.

Labcorp Genetics (formerly Invitae), Labcorp
Classification: Uncertain significance. Last evaluated: 2022-05-25. Review status: criteria provided, single submitter. Criteria: Invitae Variant Classification Sherloc (09022015). Collection method: clinical testing. Allele origin: germline.
Comment: This sequence change replaces glycine, which is neutral and non-polar, with aspartic acid, which is acidic and polar, at codon 233 of the SEC24D protein (p.Gly233Asp). This variant is not present in population databases (gnomAD no frequency). This variant has not been reported in the literature in individuals affected with SEC24D-related conditions. Algorithms developed to predict the effect of missense changes on protein structure and function are either unavailable or do not agree on the potential impact of this missense change (SIFT: "Not Available"; PolyPhen-2: "Probably Damaging"; Align-GVGD: "Not Available"). In summary, the available evidence is currently insufficient to determine the role of this variant in disease. Therefore, it has been classified as a Variant of Uncertain Significance.

NM_014822.4(SEC24D):c.698G>A (p.Gly233Asp)

Gene: SEC24D (SEC24 homolog D, COPII component; minus strand). Cytogenetic location: 4q26.
Variant type: single nucleotide variant.
Coding change: c.698G>A on transcript NM_014822.4 (MANE Select); coding-DNA position 698, G replaced by A.
Protein change: p.Gly233Asp; replaces glycine 233 with aspartic acid.
Molecular consequence: missense variant.
Genome position (GRCh38, 1-based): chr4:118,815,131, C>T on the plus strand (G>A on the coding strand, the complement: SEC24D is on the minus strand). VCF-style: chr4-118815131-C-T. GRCh37 (hg19) VCF-style: chr4-119736286-C-T.
Other names: c.701G>A, p.Gly234Asp (NM_001318066.2); c.698G>A (NM_014822.2); short protein forms G234D, G233D.
Identifiers: ClinVar variation 1995485 (VCV001995485.5), dbSNP rs1257112219, ClinGen allele CA358015292.